The following is an entry in ClinVar:

ClinVar aggregate classification (germline): Uncertain significance (1 of 4 stars; one submission).

Submission:

Labcorp Genetics (formerly Invitae), Labcorp
Classification: Uncertain significance. Last evaluated: 2022-07-25. Review status: criteria provided, single submitter. Criteria: Invitae Variant Classification Sherloc (09022015). Collection method: clinical testing. Allele origin: germline.
Comment: In summary, the available evidence is currently insufficient to determine the role of this variant in disease. Therefore, it has been classified as a Variant of Uncertain Significance. Experimental studies and prediction algorithms are not available or were not evaluated, and the functional significance of this variant is currently unknown. This variant has not been reported in the literature in individuals affected with TUBA8-related conditions. This variant is not present in population databases (gnomAD no frequency). This variant, c.886_900del, results in the deletion of 5 amino acid(s) of the TUBA8 protein (p.Phe296_Ser300del), but otherwise preserves the integrity of the reading frame.

NM_018943.3(TUBA8):c.886_900del (p.Phe296_Ser300del)

Gene: TUBA8 (tubulin alpha 8; plus strand). Cytogenetic location: 22q11.21.
Variant type: Deletion.
Coding change: c.886_900del on transcript NM_018943.3 (MANE Select); coding-DNA positions 886 to 900, 15 bases deleted (TTTGAGCCCAACAGC).
Protein change: p.Phe296_Ser300del.
Molecular consequence: inframe deletion.
Genome position (GRCh38, 1-based): chr22:18,126,864-18,126,878, TTTGAGCCCAACAGC deleted; deleting any 15 consecutive bases within chr22:18,126,862-18,126,878 gives the same sequence; the c. name uses the placement nearest the transcript's 3' end. VCF-style (leftmost placement, unchanged base first): chr22-18126861-TGCTTTGAGCCCAACA-T. GRCh37 (hg19) VCF-style: chr22-18609628-TGCTTTGAGCCCAACA-T.
Other names: c.688_702del, p.Phe230_Ser234del (NM_001193414.2).
Identifiers: ClinVar variation 1911507 (VCV001911507.5), dbSNP rs2517709341, ClinGen allele CA2580099074.